The following is an entry in ClinVar:

ClinVar aggregate classification (germline): Uncertain significance (1 of 4 stars; one submission).

Submission:

GeneDx
Classification: Uncertain significance. Last evaluated: 2020-08-13. Review status: criteria provided, single submitter. Criteria: GeneDx Variant Classification Process June 2021. Collection method: clinical testing. Allele origin: germline. Affected: yes.
Comment: Not observed in large population cohorts (Lek et al., 2016); In silico analysis, which includes protein predictors and evolutionary conservation, supports that this variant does not alter protein structure/function; Has not been previously published as pathogenic or benign to our knowledge

NM_007118.4(TRIO):c.6970C>G (p.Pro2324Ala)

Gene: TRIO (trio Rho guanine nucleotide exchange factor; plus strand). Cytogenetic location: 5p15.2.
Variant type: single nucleotide variant.
Coding change: c.6970C>G on transcript NM_007118.4 (MANE Select); coding-DNA position 6970, C replaced by G.
Protein change: p.Pro2324Ala; replaces proline 2324 with alanine.
Molecular consequence: missense variant. On other transcripts: non-coding transcript variant (1).
Genome position (GRCh38, 1-based): chr5:14,487,598, C>G. VCF-style: chr5-14487598-C-G. GRCh37 (hg19) VCF-style: chr5-14487707-C-G.
Other names: short protein forms P2324A.
Identifiers: ClinVar variation 1195447 (VCV001195447.2), dbSNP rs2126635452, ClinGen allele CA359236538.